The following is an entry in ClinVar:

ClinVar aggregate classification (germline): Uncertain significance (1 of 4 stars; one submission).

gnomAD v4.1: 1 of 1,614,102 alleles (0.000062%); highest among the groups gnomAD compares: Non-Finnish European, 0.000085%; no homozygotes.

Submission:

Labcorp Genetics (formerly Invitae), Labcorp
Classification: Uncertain significance. Last evaluated: 2020-12-21. Review status: criteria provided, single submitter. Criteria: Invitae Variant Classification Sherloc (09022015). Collection method: clinical testing. Allele origin: germline.
Comment: This sequence change replaces proline with arginine at codon 2038 of the CPLANE1 protein (p.Pro2038Arg). The proline residue is moderately conserved and there is a moderate physicochemical difference between proline and arginine. In summary, the available evidence is currently insufficient to determine the role of this variant in disease. Therefore, it has been classified as a Variant of Uncertain Significance. Advanced modeling of protein sequence and biophysical properties (such as structural, functional, and spatial information, amino acid conservation, physicochemical variation, residue mobility, and thermodynamic stability) performed at Invitae indicates that this missense variant is not expected to disrupt CPLANE1 protein function. This variant has not been reported in the literature in individuals with CPLANE1-related conditions. This variant is not present in population databases (ExAC no frequency).

NM_001384732.1(CPLANE1):c.6113C>G (p.Pro2038Arg)

Gene: CPLANE1 (ciliogenesis and planar polarity effector complex subunit 1; minus strand). Cytogenetic location: 5p13.2.
Variant type: single nucleotide variant.
Coding change: c.6113C>G on transcript NM_001384732.1 (MANE Select); coding-DNA position 6113, C replaced by G.
Protein change: p.Pro2038Arg; replaces proline 2038 with arginine.
Molecular consequence: missense variant.
Genome position (GRCh38, 1-based): chr5:37,173,813, G>C on the plus strand (C>G on the coding strand, the complement: CPLANE1 is on the minus strand). VCF-style: chr5-37173813-G-C. GRCh37 (hg19) VCF-style: chr5-37173915-G-C.
Other names: c.6113C>G, p.Pro2038Arg (NM_023073.4); short protein forms P2038R.
Identifiers: ClinVar variation 1430755 (VCV001430755.8), dbSNP rs2151007072, ClinGen allele CA359484854.